The following is an entry in ClinVar:

NM_006767.4(LZTR1):c.1835T>A (p.Ile612Asn)

Gene: LZTR1 (leucine zipper like post translational regulator 1; plus strand). Cytogenetic location: 22q11.21.
Variant type: single nucleotide variant.
Coding change: c.1835T>A on transcript NM_006767.4 (MANE Select); coding-DNA position 1835, T replaced by A.
Protein change: p.Ile612Asn; replaces isoleucine 612 with asparagine.
Molecular consequence: missense variant.
Genome position (GRCh38, 1-based): chr22:20,994,919, T>A. VCF-style: chr22-20994919-T-A. GRCh37 (hg19) VCF-style: chr22-21349208-T-A.
Other names: short protein forms I612N.
Identifiers: ClinVar variation 2429226 (VCV002429226.7), dbSNP rs2518622396, ClinGen allele CA410778558.
Genomic context (GRCh38, chr22:20,994,919, plus strand): 5'-GTCTGCCCCAGGAGCACTGCCTGAACTTCGTGGTAAAGGAGTCCCACTTCAACCAGGTGA[T>A]CATGATGAAGGAGTTCGAGCGCCTCTCCTCTCCACTGATAGTGGAGATTGTGCGGCGGAA-3'
Protein context (NP_006758.2, residues 602-622): VVKESHFNQV[Ile612Asn]MMKEFERLSS

ClinVar aggregate classification (germline): Uncertain significance. Review status: criteria provided, multiple submitters, no conflicts (2 of 4 stars). 3 submissions from 3 submitters: Uncertain significance (3). Last evaluated 2026-03-30.

Conditions:
Cardiovascular phenotype. Identifiers: MedGen CN230736.
Hereditary cancer-predisposing syndrome. Also called: Tumor predisposition; Hereditary Cancer Syndrome; Hereditary neoplastic syndrome; Neoplastic Syndromes, Hereditary. Identifiers: Orphanet 140162, MedGen C0027672, MeSH D009386, MONDO:0015356.

Submissions (3):

Ambry Genetics
Classification: Uncertain significance for Cardiovascular phenotype; Hereditary cancer-predisposing syndrome. Last evaluated: 2026-03-30. Review status: criteria provided, single submitter. Criteria: Ambry Variant Classification Scheme 2023. Collection method: clinical testing. Allele origin: germline.
Comment: The p.I612N variant (also known as c.1835T>A), located in coding exon 16 of the LZTR1 gene, results from a T to A substitution at nucleotide position 1835. The isoleucine at codon 612 is replaced by asparagine, an amino acid with dissimilar properties. This amino acid position is conserved. In addition, the in silico prediction for this alteration is inconclusive. Based on the available evidence, the clinical significance of this variant remains unclear.

Labcorp Genetics (formerly Invitae), Labcorp
Classification: Uncertain significance. Last evaluated: 2024-09-25. Review status: criteria provided, single submitter. Criteria: Invitae Variant Classification Sherloc (09022015). Collection method: clinical testing. Allele origin: germline.
Comment: This sequence change replaces isoleucine, which is neutral and non-polar, with asparagine, which is neutral and polar, at codon 612 of the LZTR1 protein (p.Ile612Asn). This variant is not present in population databases (gnomAD no frequency). This variant has not been reported in the literature in individuals affected with LZTR1-related conditions. ClinVar contains an entry for this variant (Variation ID: 2429226). Invitae Evidence Modeling of protein sequence and biophysical properties (such as structural, functional, and spatial information, amino acid conservation, physicochemical variation, residue mobility, and thermodynamic stability) indicates that this missense variant is not expected to disrupt LZTR1 protein function with a negative predictive value of 80%. In summary, the available evidence is currently insufficient to determine the role of this variant in disease. Therefore, it has been classified as a Variant of Uncertain Significance.

Women's Health and Genetics/Laboratory Corporation of America, LabCorp
Classification: Uncertain significance. Last evaluated: 2023-01-09. Review status: criteria provided, single submitter. Criteria: LabCorp Variant Classification Summary - May 2015. Collection method: clinical testing. Allele origin: germline.